The following is an entry in ClinVar:

NM_000157.4(GBA1):c.418C>T (p.Gln140Ter)

Genes: GBA1 (glucosylceramidase beta 1; minus strand), LOC106627981 (GBA recombination region; plus strand). Cytogenetic location: 1q22.
Variant type: single nucleotide variant.
Coding change: c.418C>T on transcript NM_000157.4 (MANE Select); coding-DNA position 418, C replaced by T.
Protein change: p.Gln140Ter; replaces glutamine 140 with a stop codon.
Molecular consequence: nonsense. On other transcripts: intron variant (1).
Genome position (GRCh38, 1-based): chr1:155,239,652, G>A on the plus strand (C>T on the coding strand, the complement: GBA1 is on the minus strand). VCF-style: chr1-155239652-G-A. GRCh37 (hg19) VCF-style: chr1-155209443-G-A.
Other names: c.418C>T, p.Gln140Ter (NM_001005741.3, NM_001005742.3); c.157C>T, p.Gln53Ter (NM_001171811.2); c.307+234C>T (NM_001171812.2); short protein forms Q140*, Q53*.
Identifiers: ClinVar variation 4817759 (VCV004817759.1).

ClinVar aggregate classification (germline): Likely pathogenic (1 of 4 stars; one submission).

Conditions:
Gaucher disease. Also called: Acute cerebral Gaucher disease; Cerebroside lipidosis syndrome; Gaucher splenomegaly; Sphingolipidosis 1; Glucocerebrosidosis; Glucosylceramidase deficiency. Identifiers: Orphanet 355, MedGen C0017205, MONDO:0018150.

Submission:

Natera, Inc.
Classification: Likely pathogenic for Gaucher disease. Last evaluated: 2025-06-17. Review status: criteria provided, single submitter. Criteria: Natera Variant Classification Schema (03/2026). Collection method: clinical testing. Allele origin: germline.
Comment: The c.418C>T variant in GBA1 is a nonsense variant predicted to introduce a stop codon at amino acid 140. This variant is expected to result in nonsense mediated decay, truncation, or a dysfunctional protein product. This variant is rare in the general population with a frequency below the threshold expected for the associated phenotype(s). Given the available evidence, this variant is classified as Likely Pathogenic.